The following is an entry in ClinVar:

ClinVar aggregate classification (germline): Benign/Likely benign. Review status: criteria provided, multiple submitters, no conflicts (2 of 4 stars). 4 submissions from 4 submitters: Benign (1); Likely benign (3). Last evaluated 2026-09-21.

Conditions:
Distal myopathy with posterior leg and anterior hand involvement. Also called: WILLIAMS DISTAL MYOPATHY. Identifiers: Orphanet 63273, MedGen C3279722, MONDO:0013550, OMIM 614065.
Hypertrophic cardiomyopathy 26. Also called: Cardiomyopathy, familial hypertrophic, 26. Identifiers: Orphanet 75249, MedGen C4310749, MONDO:0014883, OMIM 617047.
Myofibrillar myopathy 5. Also called: Filaminopathy (type); FILAMINOPATHY, AUTOSOMAL DOMINANT. Identifiers: Orphanet 171445, MedGen C1836050, MONDO:0012289, OMIM 609524.
Cardiovascular phenotype. Identifiers: MedGen CN230736.

Allele frequency attached by ClinVar (database versions not stated): gnomAD exomes below 0.00001; gnomAD 0.00001; TOPMed below 0.00001.
gnomAD v4.1: 5 of 1,536,250 alleles (0.00033%); highest among the groups gnomAD compares: East Asian, 0.0024%; no homozygotes.

Submissions (4):

Molecular Diagnostic Laboratory for Inherited Cardiovascular Disease, Montreal Heart Institute
Classification: Likely benign. Last evaluated: 2026-09-21. Review status: criteria provided, single submitter. Criteria: ACMG Guidelines, 2015. Collection method: clinical testing. Allele origin: germline. Affected: no.
Comment: BP7

Ambry Genetics
Classification: Likely benign for Cardiovascular phenotype. Last evaluated: 2026-04-20. Review status: criteria provided, single submitter. Criteria: Ambry Variant Classification Scheme 2023. Collection method: clinical testing. Allele origin: germline.

Labcorp Genetics (formerly Invitae), Labcorp
Classification: Benign for Distal myopathy with posterior leg and anterior hand involvement; Myofibrillar myopathy 5; Hypertrophic cardiomyopathy 26. Last evaluated: 2025-12-29. Review status: criteria provided, single submitter. Criteria: Invitae Variant Classification Sherloc (09022015). Collection method: clinical testing. Allele origin: germline.

Mayo Clinic Laboratories, Mayo Clinic
Classification: Likely benign. Last evaluated: 2025-09-09. Review status: criteria provided, single submitter. Criteria: ACMG Guidelines, 2015. Collection method: clinical testing. Allele origin: germline. Observed: 2 variant alleles.
Comment: BP4, BP7, PM2_supporting

NM_001458.5(FLNC):c.5295C>T (p.His1765=)

Gene: FLNC (filamin C; plus strand). Cytogenetic location: 7q32.1.
Variant type: single nucleotide variant.
Coding change: c.5295C>T on transcript NM_001458.5 (MANE Select); coding-DNA position 5295, C replaced by T.
Protein change: p.His1765=; no amino-acid change (histidine 1765 retained).
Molecular consequence: synonymous variant. On other transcripts: intron variant (1).
Genome position (GRCh38, 1-based): chr7:128,850,071, C>T. VCF-style: chr7-128850071-C-T. GRCh37 (hg19) VCF-style: chr7-128490125-C-T.
Other names: p.His1765=; c.5200-313C>T (NM_001127487.2).
Identifiers: ClinVar variation 2071794 (VCV002071794.7), dbSNP rs779061913, ClinGen allele CA4475632.